The following is an entry in ClinVar:

ClinVar aggregate classification (germline): Uncertain significance (1 of 4 stars; one submission).

gnomAD v4.1: 40 of 1,613,828 alleles (0.0025%); highest among the groups gnomAD compares: South Asian, 0.0099%; no homozygotes.

Submission:

Labcorp Genetics (formerly Invitae), Labcorp
Classification: Uncertain significance. Last evaluated: 2024-09-29. Review status: criteria provided, single submitter. Criteria: Invitae Variant Classification Sherloc (09022015). Collection method: clinical testing. Allele origin: germline.
Comment: This sequence change replaces arginine, which is basic and polar, with histidine, which is basic and polar, at codon 398 of the SLC22A4 protein (p.Arg398His). This variant is present in population databases (rs769756304, gnomAD 0.01%). This variant has not been reported in the literature in individuals affected with SLC22A4-related conditions. Invitae Evidence Modeling of protein sequence and biophysical properties (such as structural, functional, and spatial information, amino acid conservation, physicochemical variation, residue mobility, and thermodynamic stability) indicates that this missense variant is not expected to disrupt SLC22A4 protein function with a negative predictive value of 80%. In summary, the available evidence is currently insufficient to determine the role of this variant in disease. Therefore, it has been classified as a Variant of Uncertain Significance.

NM_003059.3(SLC22A4):c.1193G>A (p.Arg398His)

Genes: MIR3936HG (MIR3936 host gene; minus strand), SLC22A4 (solute carrier family 22 member 4; plus strand). Cytogenetic location: 5q31.1.
Variant type: single nucleotide variant.
Coding change: c.1193G>A on transcript NM_003059.3 (MANE Select); coding-DNA position 1193, G replaced by A.
Protein change: p.Arg398His; replaces arginine 398 with histidine.
Molecular consequence: missense variant. On other transcripts: non-coding transcript variant (1).
Genome position (GRCh38, 1-based): chr5:132,334,864, G>A. VCF-style: chr5-132334864-G-A. GRCh37 (hg19) VCF-style: chr5-131670557-G-A.
Other names: short protein forms R398H.
Identifiers: ClinVar variation 3610475 (VCV003610475.2).